The following is an entry in ClinVar:

NM_000512.5(GALNS):c.502G>A (p.Gly168Arg)

Gene: GALNS (galactosamine (N-acetyl)-6-sulfatase; minus strand). Cytogenetic location: 16q24.3.
Variant type: single nucleotide variant.
Coding change: c.502G>A on transcript NM_000512.5 (MANE Select); coding-DNA position 502, G replaced by A.
Protein change: p.Gly168Arg; replaces glycine 168 with arginine.
Molecular consequence: missense variant. On other transcripts: 5 prime UTR variant (1).
Genome position (GRCh38, 1-based): chr16:88,837,686, C>T on the plus strand (G>A on the coding strand, the complement: GALNS is on the minus strand). VCF-style: chr16-88837686-C-T. GRCh37 (hg19) VCF-style: chr16-88904094-C-T.
Other names: c.-54G>A (NM_001323543.2); c.520G>A, p.Gly174Arg (NM_001323544.2); short protein forms G168R, G174R.
Identifiers: ClinVar variation 528319 (VCV000528319.22), dbSNP rs775732598, ClinGen allele CA8235119.

ClinVar aggregate classification (germline): Pathogenic/Likely pathogenic. Review status: criteria provided, multiple submitters, no conflicts (2 of 4 stars). 7 submissions from 7 submitters: Pathogenic (3); Likely pathogenic (4). Last evaluated 2025-08-14.

Conditions:
Morquio syndrome. Also called: Eccentrochondrodysplasia; Mucopolysaccharidosis, Type IV; MPS IV; Mucopolysaccharidosis type 4. Identifiers: Orphanet 582, MedGen C0026707, MONDO:0018938.
Mucopolysaccharidosis, MPS-IV-A (MPS4A). Also called: Mucopolysaccharidosis Type IVA; GALACTOSAMINE-6-SULFATASE DEFICIENCY; GALNS DEFICIENCY; MORQUIO A DISEASE; MPS IVA; Morquio syndrome A, mild. Identifiers: Orphanet 309297, Orphanet 582, MedGen C0086651, MONDO:0009659, OMIM 253000.

Allele frequency attached by ClinVar (database versions not stated): ExAC 0.00001; gnomAD 0.00001; TOPMed 0.00001; gnomAD exomes 0.00002.
gnomAD v4.1: 9 of 1,613,948 alleles (0.00056%); highest among the groups gnomAD compares: Admixed American, 0.0083%; no homozygotes.

Submissions (7):

Labcorp Genetics (formerly Invitae), Labcorp
Classification: Pathogenic for Mucopolysaccharidosis, MPS-IV-A. Last evaluated: 2025-08-14. Review status: criteria provided, single submitter. Criteria: Invitae Variant Classification Sherloc (09022015). Collection method: clinical testing. Allele origin: germline.
Comment: This sequence change replaces glycine, which is neutral and non-polar, with arginine, which is basic and polar, at codon 168 of the GALNS protein (p.Gly168Arg). This variant is present in population databases (rs775732598, gnomAD 0.01%). This missense change has been observed in individual(s) with mucopolysaccharidosis type IVA (PMID: 9298823, 29275451, 30927141; internal data). In at least one individual the data is consistent with being in trans (on the opposite chromosome) from a pathogenic variant. It has also been observed to segregate with disease in related individuals. ClinVar contains an entry for this variant (Variation ID: 528319). Invitae Evidence Modeling of protein sequence and biophysical properties (such as structural, functional, and spatial information, amino acid conservation, physicochemical variation, residue mobility, and thermodynamic stability) indicates that this missense variant is expected to disrupt GALNS protein function with a positive predictive value of 95%. Algorithms developed to predict the effect of sequence changes on RNA splicing suggest that this variant may disrupt the consensus splice site. For these reasons, this variant has been classified as Pathogenic.

Revvity Omics, Revvity
Classification: Pathogenic for Mucopolysaccharidosis, MPS-IV-A. Last evaluated: 2025-07-01. Review status: criteria provided, single submitter. Criteria: ACMG Guidelines, 2015. Collection method: clinical testing. Allele origin: germline.

Women's Health and Genetics/Laboratory Corporation of America, LabCorp
Classification: Pathogenic for Morquio syndrome. Last evaluated: 2025-04-07. Review status: criteria provided, single submitter. Criteria: LabCorp Variant Classification Summary - May 2015. Collection method: clinical testing. Allele origin: germline.
Comment: Variant summary: GALNS c.502G>A (p.Gly168Arg) results in a non-conservative amino acid change in the encoded protein sequence. Five of five in-silico tools predict a damaging effect of the variant on protein function. The variant allele was found at a frequency of 1.6e-05 in 251428 control chromosomes. c.502G>A has been reported in the literature in multiple individuals affected with Mucopolysaccharidosis Type IVA (Morquio Syndrome A). These data indicate that the variant is very likely to be associated with disease. The following publications have been ascertained in the context of this evaluation (PMID: 29275451, 9298823). ClinVar contains an entry for this variant (Variation ID: 528319). Based on the evidence outlined above, the variant was classified as pathogenic.

Laboratory of Genetics, Children's Clinical University Hospital Latvia
Classification: Likely pathogenic. Last evaluated: 2025-02-16. Review status: criteria provided, single submitter. Criteria: ACMG Guidelines, 2015. Collection method: clinical testing. Allele origin: germline. Affected: yes.

Fulgent Genetics
Classification: Likely pathogenic for Mucopolysaccharidosis, MPS-IV-A. Last evaluated: 2024-04-30. Review status: criteria provided, single submitter. Criteria: ACMG Guidelines, 2015. Collection method: clinical testing. Allele origin: germline.

Genome-Nilou Lab
Classification: Likely pathogenic for Mucopolysaccharidosis, MPS-IV-A. Last evaluated: 2021-11-07. Review status: criteria provided, single submitter. Criteria: ACMG Guidelines, 2015. Collection method: clinical testing. Allele origin: germline. Affected: no.

Laboratory of Diagnosis and Therapy of Lysosomal Disorders, University of Padova
Classification: Likely pathogenic for Mucopolysaccharidosis, MPS-IV-A. Last evaluated: 2021-02-01. Review status: criteria provided, single submitter. Criteria: ACMG Guidelines, 2015. Collection method: research. Allele origin: germline. Affected: yes.
Comment: The prevalence of the variant in affected individuals is significantly increased compared with the prevalence in controls (PS4_strong); very low frequency in gnomAD v2.1.1 (PM2_moderate); multiple lines of computational evidence support a deleterious effect on the gene (PP3_supporting)

Literature cited by the submitters: PubMed 9298823 (cited by 3 submitters); PubMed 29275451 (cited by 3 submitters); PubMed 30927141 (cited by Labcorp Genetics (formerly Invitae), Labcorp and Laboratory of Diagnosis and Therapy of Lysosomal Disorders, University of Padova); PubMed 34387910 (cited by Laboratory of Diagnosis and Therapy of Lysosomal Disorders, University of Padova).